The following is an entry in ClinVar:

NM_001130144.3(LTBP3):c.445G>T (p.Gly149Trp)

Gene: LTBP3 (latent transforming growth factor beta binding protein 3; minus strand). Cytogenetic location: 11q13.1.
Variant type: single nucleotide variant.
Coding change: c.445G>T on transcript NM_001130144.3 (MANE Select); coding-DNA position 445, G replaced by T.
Protein change: p.Gly149Trp; replaces glycine 149 with tryptophan.
Molecular consequence: missense variant.
Genome position (GRCh38, 1-based): chr11:65,554,267, C>A on the plus strand (G>T on the coding strand, the complement: LTBP3 is on the minus strand). VCF-style: chr11-65554267-C-A. GRCh37 (hg19) VCF-style: chr11-65321738-C-A.
Other names: c.94G>T, p.Gly32Trp (NM_001164266.1); c.445G>T, p.Gly149Trp (NM_021070.4); short protein forms G149W, G32W.
Identifiers: ClinVar variation 4997405 (VCV004997405.1).

ClinVar aggregate classification (germline): Uncertain significance (1 of 4 stars; one submission).

Conditions:
LTBP3-related disorder. Also called: LTBP3-related condition.

gnomAD v4.1: 2 of 1,610,624 alleles (0.00012%); highest among the groups gnomAD compares: Non-Finnish European, 0.00017%; no homozygotes.

Submission:

PreventionGenetics, part of Exact Sciences
Classification: Uncertain significance for LTBP3-related condition. Last evaluated: 2026-04-30. Review status: criteria provided, single submitter. Criteria: ACMG Guidelines, 2015. Collection method: clinical testing. Allele origin: germline.
Comment: The LTBP3 c.445G>T variant is predicted to result in the amino acid substitution p.Gly149Trp. To our knowledge, this variant has not been reported in the literature or in a large population database (gnomAD), indicating this variant is rare. At this time, the clinical significance of this variant is uncertain due to the absence of conclusive functional and genetic evidence.